The following is an entry in ClinVar:

NM_001032283.3(TMPO):c.263G>A (p.Arg88Gln)

Genes: TMPO (thymopoietin; plus strand), TMPO-AS1 (TMPO antisense RNA 1; minus strand), LOC130008520 (ATAC-STARR-seq lymphoblastoid silent region 4752; plus strand). Cytogenetic location: 12q23.1.
Variant type: single nucleotide variant.
Coding change: c.263G>A on transcript NM_001032283.3 (MANE Select); coding-DNA position 263, G replaced by A.
Protein change: p.Arg88Gln; replaces arginine 88 with glutamine.
Molecular consequence: missense variant. On other transcripts: non-coding transcript variant (1).
Genome position (GRCh38, 1-based): chr12:98,516,130, G>A. VCF-style: chr12-98516130-G-A. GRCh37 (hg19) VCF-style: chr12-98909908-G-A.
Other names: c.263G>A, p.Arg88Gln (NM_001032284.3, NM_001307975.2, NM_003276.2); short protein forms R88Q.
Identifiers: ClinVar variation 391907 (VCV000391907.12), dbSNP rs774853700, ClinGen allele CA6732145.
Genomic context (GRCh38, chr12:98,516,130, plus strand): 5'-ACGAAGAGCGCGAGCCCACCCCGGTCCTCGGCTCTGGGGCCGCCGCCGCGGGCCGGAGCC[G>A]AGCAGCCGTCGGCAGGGTAAGGACGCGGGGCCGGGGCTACAAAGGCGGGCGTTTGGCGGT-3'
Protein context (NP_001027454.1, residues 78-98): GSGAAAAGRS[Arg88Gln]AAVGRKATKK

ClinVar aggregate classification (germline): Uncertain significance. Review status: criteria provided, multiple submitters, no conflicts (2 of 4 stars). 2 submissions from 2 submitters: Uncertain significance (2). Last evaluated 2025-11-08.

Conditions:
Loeys-Dietz syndrome 2 (LDS2). Also called: AORTIC ANEURYSM, FAMILIAL THORACIC 3; MARFAN SYNDROME, TYPE II; Marfan Syndrome type 2; Marfan like connective tissue disorder; MFS 2; Marfan syndrome, type 2 (formerly). Identifiers: Orphanet 284973, Orphanet 558, MedGen C2674574, MONDO:0012427, OMIM 610168.

Allele frequency attached by ClinVar (database versions not stated): ExAC below 0.00001; gnomAD exomes below 0.00001 and 0.00001; TOPMed below 0.00001; gnomAD 0.00001.

Submissions (2):

Labcorp Genetics (formerly Invitae), Labcorp
Classification: Uncertain significance for Loeys-Dietz syndrome 2. Last evaluated: 2025-11-08. Review status: criteria provided, single submitter. Criteria: Invitae Variant Classification Sherloc (09022015). Collection method: clinical testing. Allele origin: germline.
Comment: This sequence change replaces arginine, which is basic and polar, with glutamine, which is neutral and polar, at codon 88 of the TMPO protein (p.Arg88Gln). This variant is present in population databases (rs774853700, gnomAD 0.04%). This variant has not been reported in the literature in individuals affected with TMPO-related conditions. ClinVar contains an entry for this variant (Variation ID: 391907). An algorithm developed to predict the effect of missense changes on protein structure and function (PolyPhen-2) suggests that this variant is likely to be tolerated. In summary, the available evidence is currently insufficient to determine the role of this variant in disease. Therefore, it has been classified as a Variant of Uncertain Significance.

GeneDx
Classification: Uncertain significance. Last evaluated: 2025-06-10. Review status: criteria provided, single submitter. Criteria: GeneDx Variant Classification Process June 2021. Collection method: clinical testing. Allele origin: germline. Affected: yes.
Comment: Not observed at significant frequency in large population cohorts (gnomAD); In silico analysis suggests that this missense variant does not alter protein structure/function; Has not been previously published as pathogenic or benign to our knowledge